The following is an entry in ClinVar:

ClinVar aggregate classification (germline): Uncertain significance (1 of 4 stars; one submission).

Conditions:
Vici syndrome (VICIS). Identifiers: Orphanet 1493, MedGen C1855772, MONDO:0009452, OMIM 242840.

Allele frequency attached by ClinVar (database versions not stated): gnomAD 0.00001 and 0.00003; TOPMed 0.00002; ExAC 0.00005; gnomAD exomes 0.00007.
gnomAD v4.1: 54 of 1,606,842 alleles (0.0034%); highest among the groups gnomAD compares: South Asian, 0.046%; 1 homozygote.

Submission:

Labcorp Genetics (formerly Invitae), Labcorp
Classification: Uncertain significance for Vici syndrome. Last evaluated: 2021-08-31. Review status: criteria provided, single submitter. Criteria: Invitae Variant Classification Sherloc (09022015). Collection method: clinical testing. Allele origin: germline.
Comment: This sequence change replaces glutamic acid with lysine at codon 1849 of the EPG5 protein (p.Glu1849Lys). The glutamic acid residue is moderately conserved and there is a small physicochemical difference between glutamic acid and lysine. This variant is present in population databases (rs777698208, ExAC 0.03%). This variant has not been reported in the literature in individuals affected with EPG5-related conditions. Algorithms developed to predict the effect of missense changes on protein structure and function are either unavailable or do not agree on the potential impact of this missense change (SIFT: "Tolerated"; PolyPhen-2: "Probably Damaging"; Align-GVGD: "Class C0"). In summary, the available evidence is currently insufficient to determine the role of this variant in disease. Therefore, it has been classified as a Variant of Uncertain Significance.

NM_020964.3(EPG5):c.5545G>A (p.Glu1849Lys)

Gene: EPG5 (ectopic P-granules 5 autophagy tethering factor; minus strand). Cytogenetic location: 18q12.3.
Variant type: single nucleotide variant.
Coding change: c.5545G>A on transcript NM_020964.3 (MANE Select); coding-DNA position 5545, G replaced by A.
Protein change: p.Glu1849Lys; replaces glutamic acid 1849 with lysine.
Molecular consequence: missense variant.
Genome position (GRCh38, 1-based): chr18:45,880,197, C>T on the plus strand (G>A on the coding strand, the complement: EPG5 is on the minus strand). VCF-style: chr18-45880197-C-T. GRCh37 (hg19) VCF-style: chr18-43460162-C-T.
Other names: c.5545G>A, p.Glu1849Lys (LRG_1234t1); short protein forms E1849K.
Identifiers: ClinVar variation 662542 (VCV000662542.7), dbSNP rs777698208, ClinGen allele CA8948559.